The following is an entry in ClinVar:

NM_015662.3(IFT172):c.4631_4632del (p.Arg1544fs)

Gene: IFT172 (intraflagellar transport 172; minus strand). Cytogenetic location: 2p23.3.
Variant type: Microsatellite.
Coding change: c.4631_4632del on transcript NM_015662.3 (MANE Select); coding-DNA positions 4631 to 4632, 2 bases deleted (GC; older notation c.4631_4632delGC).
Protein change: p.Arg1544fs; shifts the reading frame from arginine 1544.
Molecular consequence: frameshift variant.
Genome position (GRCh38, 1-based): chr2:27,447,542-27,447,543, GC deleted on the plus strand (GC on the coding strand, the reverse complement: IFT172 is on the minus strand); deleting any 2 consecutive bases within chr2:27,447,542-27,447,546 gives the same sequence; the c. name uses the placement nearest the transcript's 3' end. VCF-style (leftmost placement, unchanged base first): chr2-27447541-AGC-A. GRCh37 (hg19) VCF-style: chr2-27670408-AGC-A.
Other names: short protein forms R1544fs.
Identifiers: ClinVar variation 1677069 (VCV001677069.1), dbSNP rs2148472644, ClinGen allele CA2580611609.
Genomic context (GRCh38, chr2:27,447,541, plus strand): 5'-TGACTGAGTGTTCCTTCGACCCCCTACATCTCACCAGCTGTTTGACACTCTGGGCTGCAG[AGC>A]GCGTGGCATAGTAATGAGCGATCAGCAGCATCGTCTTGAACTCCTCATGGGCTGGAGAGT-3'

ClinVar aggregate classification (germline): Likely pathogenic (1 of 4 stars; one submission).

Conditions:
IFT172-related disorder. Also called: IFT172-related condition; IFT172-related disorders.

Submission:

Women's Health and Genetics/Laboratory Corporation of America, LabCorp
Classification: Likely pathogenic for IFT172-Related Disorders. Last evaluated: 2022-03-09. Review status: criteria provided, single submitter. Criteria: LabCorp Variant Classification Summary - May 2015. Collection method: clinical testing. Allele origin: germline.
Comment: Variant summary: IFT172 c.4631_4632delGC (p.Arg1544LeufsX35) results in a premature termination codon, predicted to cause a truncation of the encoded protein or absence of the protein due to nonsense mediated decay, which are commonly known mechanisms for disease. The variant was absent in 251228 control chromosomes (gnomAD). To our knowledge, no occurrence of c.4631_4632delGC in individuals affected with IFT172-Related Disorders and no experimental evidence demonstrating its impact on protein function have been reported. No clinical diagnostic laboratories have submitted clinical-significance assessments for this variant to ClinVar after 2014. Based on the evidence outlined above, the variant was classified as likely pathogenic.